The following is an entry in ClinVar:

NM_002292.4(LAMB2):c.881C>A (p.Pro294His)

Gene: LAMB2 (laminin subunit beta 2; minus strand). Cytogenetic location: 3p21.31.
Variant type: single nucleotide variant.
Coding change: c.881C>A on transcript NM_002292.4 (MANE Select); coding-DNA position 881, C replaced by A.
Protein change: p.Pro294His; replaces proline 294 with histidine.
Molecular consequence: missense variant.
Genome position (GRCh38, 1-based): chr3:49,130,984, G>T on the plus strand (C>A on the coding strand, the complement: LAMB2 is on the minus strand). VCF-style: chr3-49130984-G-T. GRCh37 (hg19) VCF-style: chr3-49168417-G-T.
Other names: short protein forms P294H.
Identifiers: ClinVar variation 1424772 (VCV001424772.6), dbSNP rs536441871, ClinGen allele CA2394778.
Genomic context (GRCh38, chr3:49,130,984, plus strand): 5'-TATCCCAACCGTCTGAAGCCCCTTACCATGCCCTCAGCATGGGCTGGTGCCCCTGGGGCG[G>T]GTGCACACTCTGAGGCGTGTCCGTAGCAGAAGCAGTTGCCACGTACAACCAGCTCATAGA-3'
Protein context (NP_002283.3, residues 284-304): FCYGHASECA[Pro294His]APGAPAHAEG

ClinVar aggregate classification (germline): Uncertain significance (1 of 4 stars; one submission).

Conditions:
Pierson syndrome. Also called: MICROCORIA-CONGENITAL NEPHROTIC SYNDROME. Identifiers: Orphanet 2670, MedGen C1836876, MONDO:0012184, OMIM 609049.
LAMB2-related infantile-onset nephrotic syndrome. Also called: Nephrotic Syndrome, type 5; NEPHROTIC SYNDROME, TYPE 5, WITHOUT OCULAR ABNORMALITIES; NEPHROTIC SYNDROME, TYPE 5, WITH OCULAR ABNORMALITIES. Identifiers: Orphanet 306507, MedGen C3280113, MONDO:0013621, OMIM 614199.

Allele frequency attached by ClinVar (database versions not stated): gnomAD exomes below 0.00001; ExAC 0.00001; gnomAD 0.00001; 1000 Genomes Project 30x 0.00016; 1000 Genomes Project 0.00020.
gnomAD v4.1: 1 of 1,614,076 alleles (0.000062%); highest among the groups gnomAD compares: South Asian, 0.0011%; no homozygotes.

Submission:

Labcorp Genetics (formerly Invitae), Labcorp
Classification: Uncertain significance for LAMB2-related infantile-onset nephrotic syndrome; Pierson syndrome. Last evaluated: 2021-09-06. Review status: criteria provided, single submitter. Criteria: Invitae Variant Classification Sherloc (09022015). Collection method: clinical testing. Allele origin: germline.
Comment: Algorithms developed to predict the effect of missense changes on protein structure and function are either unavailable or do not agree on the potential impact of this missense change (SIFT: "Deleterious"; PolyPhen-2: "Probably Damaging"; Align-GVGD: "Class C0"). In summary, the available evidence is currently insufficient to determine the role of this variant in disease. Therefore, it has been classified as a Variant of Uncertain Significance. This variant has not been reported in the literature in individuals affected with LAMB2-related conditions. This variant is present in population databases (rs536441871, ExAC 0.006%). This sequence change replaces proline with histidine at codon 294 of the LAMB2 protein (p.Pro294His). The proline residue is highly conserved and there is a moderate physicochemical difference between proline and histidine.